The following is an entry in ClinVar:

NM_006245.4(PPP2R5D):c.272G>T (p.Arg91Leu)

Gene: PPP2R5D (protein phosphatase 2 regulatory subunit B'delta; plus strand). Cytogenetic location: 6p21.1.
Variant type: single nucleotide variant.
Coding change: c.272G>T on transcript NM_006245.4 (MANE Select); coding-DNA position 272, G replaced by T.
Protein change: p.Arg91Leu; replaces arginine 91 with leucine.
Molecular consequence: missense variant. On other transcripts: 5 prime UTR variant (1), intron variant (2).
Genome position (GRCh38, 1-based): chr6:43,006,629, G>T. VCF-style: chr6-43006629-G-T. GRCh37 (hg19) VCF-style: chr6-42974367-G-T.
Other names: NC_000006.11:g.42974367G>T; c.-182G>T (NM_001270476.2); c.249+23G>T (NM_180976.3); c.28-305G>T (NM_180977.3); c.272G>T (NM_006245.3); short protein forms R91L.
Identifiers: ClinVar variation 4328351 (VCV004328351.2).

ClinVar aggregate classification (germline): Uncertain significance (1 of 4 stars; one submission).

Submissions (2):

GeneDx
Classification: Uncertain significance. Last evaluated: 2026-03-07. Review status: criteria provided, single submitter. Criteria: GeneDx Variant Classification Process June 2021. Collection method: clinical testing. Allele origin: germline.
Comment: Not observed at significant frequency in large population cohorts (gnomAD); In silico analysis supports that this missense variant has a deleterious effect on protein structure/function; Has not been previously published as pathogenic or benign to our knowledge

Dr. Peter K. Rogan Lab, Western University
No classification provided (evidence only). Condition: Sarcoma. Review status: no classification provided. Collection method: in vitro. Allele origin: not applicable. Functional consequence: retained intron. Not counted in ClinVar's aggregate classification.